The following is an entry in ClinVar:

ClinVar aggregate classification (germline): Conflicting classifications of pathogenicity. Review status: criteria provided, conflicting classifications (1 of 4 stars). 11 submissions from 7 submitters: Uncertain significance (3); Benign (3); Likely benign (3). 2 of the submissions do not count toward it. Last evaluated 2026-01-24.

Conditions:
Dilated cardiomyopathy 1G (CMD1G). Identifiers: Orphanet 154, MedGen C1858763, MONDO:0011400, OMIM 604145.
Tibial muscular dystrophy (TMD). Also called: UDD MYOPATHY; Tibial muscular dystrophy, tardive; Udd Distal Myopathy – Tibial Muscular Dystrophy. Identifiers: Orphanet 609, MedGen C1838244, MONDO:0010870, OMIM 600334.
Early-onset myopathy with fatal cardiomyopathy (CMYO5). Also called: CONGENITAL MYOPATHY 5 WITH CARDIOMYOPATHY; Salih Myopathy. Identifiers: Orphanet 289377, MedGen C2673677, MONDO:0012714, OMIM 611705. Disease mechanism: loss of function.
Autosomal recessive limb-girdle muscular dystrophy type 2J (LGMDR10). Also called: MUSCULAR DYSTROPHY, LIMB-GIRDLE, AUTOSOMAL RECESSIVE 10; Limb-girdle muscular dystrophy, type 2J. Identifiers: Orphanet 140922, MedGen C1837342, MONDO:0012127, OMIM 608807.
Myopathy, myofibrillar, 9, with early respiratory failure (MFM9). Also called: EDSTROM MYOPATHY; Myopathy, distal, with early respiratory failure, autosomal dominant; Hereditary myopathy with early respiratory failure; MYOPATHY, PROXIMAL, WITH EARLY RESPIRATORY MUSCLE INVOLVEMENT. Identifiers: Orphanet 178464, Orphanet 34521, MedGen C1863599, MONDO:0011362, OMIM 603689.

Allele frequency attached by ClinVar (database versions not stated): gnomAD exomes 0.00020 and 0.00034; gnomAD 0.00025 and 0.00027; TOPMed 0.00025; ESP Exome Variant Server 0.00042.
gnomAD v4.1: 540 of 1,613,372 alleles (0.033%); highest among the groups gnomAD compares: Non-Finnish European, 0.043%; no homozygotes.

Submissions (11):

Labcorp Genetics (formerly Invitae), Labcorp
Classification: Likely benign for Dilated cardiomyopathy 1G; Autosomal recessive limb-girdle muscular dystrophy type 2J. Last evaluated: 2026-01-24. Review status: criteria provided, single submitter. Criteria: Invitae Variant Classification Sherloc (09022015). Collection method: clinical testing. Allele origin: germline.

Blueprint Genetics
Classification: Likely benign. Last evaluated: 2024-11-22. Review status: criteria provided, single submitter. Criteria: ACMG Guidelines, 2015. Collection method: clinical testing. Allele origin: germline.

Women's Health and Genetics/Laboratory Corporation of America, LabCorp
Classification: Benign. Last evaluated: 2020-12-29. Review status: criteria provided, single submitter. Criteria: LabCorp Variant Classification Summary - May 2015. Collection method: clinical testing. Allele origin: germline.
Comment: Variant summary: TTN c.26701+15A>T alters a non-conserved nucleotide located close to a canonical splice site and therefore could affect mRNA splicing, leading to a significantly altered protein sequence. 4/4 computational tools predict no significant impact on normal splicing. However, these predictions have yet to be confirmed by functional studies. The variant allele was found at a frequency of 0.00022 in 280476 control chromosomes, predominantly at a frequency of 0.00044 within the Non-Finnish European subpopulation in the gnomAD database. The observed variant frequency within Non-Finnish European control individuals in the gnomAD database is approximately 1.1 fold of the estimated maximal expected allele frequency for a pathogenic variant in TTN causing Dilated Cardiomyopathy phenotype (0.00039), strongly suggesting that the variant is a benign polymorphism found primarily in populations of Non-Finnish European origin. To our knowledge, no occurrence of c.26701+15A>T in individuals affected with Dilated Cardiomyopathy and no experimental evidence demonstrating its impact on protein function have been reported. One co-occurrence with another pathogenic variant has been internally reported (LMNA c.725C>T, p.Ala242Val), providing supporting evidence for a benign role. Three ClinVar submitters (evaluation after 2014) cite the variant as uncertain significance, likely benign and benign. Based on the evidence outlined above, the variant was classified as benign.

GeneDx
Classification: Likely benign. Last evaluated: 2018-03-02. Review status: criteria provided, single submitter. Criteria: GeneDx Variant Classification (06012015). Collection method: clinical testing. Allele origin: germline. Affected: yes.
Comment: This variant is considered likely benign or benign based on one or more of the following criteria: it is a conservative change, it occurs at a poorly conserved position in the protein, it is predicted to be benign by multiple in silico algorithms, and/or has population frequency not consistent with disease.

Illumina Laboratory Services, Illumina
Classification: Uncertain significance for Early-onset myopathy with fatal cardiomyopathy. Last evaluated: 2018-01-13. Review status: criteria provided, single submitter. Criteria: ICSL Variant Classification Criteria 13 December 2019. Collection method: clinical testing. Allele origin: germline.

Illumina Laboratory Services, Illumina
Classification: Uncertain significance for Autosomal recessive limb-girdle muscular dystrophy type 2J. Last evaluated: 2018-01-13. Review status: criteria provided, single submitter. Criteria: ICSL Variant Classification Criteria 13 December 2019. Collection method: clinical testing. Allele origin: germline.

Illumina Laboratory Services, Illumina
Classification: Uncertain significance for Dilated cardiomyopathy 1G. Last evaluated: 2018-01-13. Review status: criteria provided, single submitter. Criteria: ICSL Variant Classification Criteria 13 December 2019. Collection method: clinical testing. Allele origin: germline.

Illumina Laboratory Services, Illumina
Classification: Benign for Tibial muscular dystrophy. Last evaluated: 2018-01-13. Review status: criteria provided, single submitter. Criteria: ICSL Variant Classification Criteria 13 December 2019. Collection method: clinical testing. Allele origin: germline.
Comment: This variant was observed in the ICSL laboratory as part of a predisposition screen in an ostensibly healthy population. It had not been previously curated by ICSL or reported in the Human Gene Mutation Database (HGMD: prior to June 1st, 2018), and was therefore a candidate for classification through an automated scoring system. Utilizing variant allele frequency, disease prevalence and penetrance estimates, and inheritance mode, an automated score was calculated to assess if this variant is too frequent to cause the disease. Based on the score and internal cut-off values, a variant classified as benign is not then subjected to further curation. The score for this variant resulted in a classification of benign for this disease.

Illumina Laboratory Services, Illumina
Classification: Benign for Myopathy, myofibrillar, 9, with early respiratory failure. Last evaluated: 2018-01-13. Review status: criteria provided, single submitter. Criteria: ICSL Variant Classification Criteria 13 December 2019. Collection method: clinical testing. Allele origin: germline.
Comment: the same text as in the submission from Illumina Laboratory Services, Illumina above.

Clinical Genetics DNA and cytogenetics Diagnostics Lab, Erasmus MC, Erasmus Medical Center
Classification: Likely benign. Review status: no assertion criteria provided. Collection method: clinical testing. Allele origin: germline. Affected: yes. Study: VKGL Data-share Consensus. Not counted in ClinVar's aggregate classification.

Diagnostic Laboratory, Department of Genetics, University Medical Center Groningen
Classification: Likely benign. Review status: no assertion criteria provided. Collection method: clinical testing. Allele origin: germline. Affected: yes. Study: VKGL Data-share Consensus. Not counted in ClinVar's aggregate classification.

NM_001267550.2(TTN):c.30433+15A>T

Gene: TTN (titin; minus strand). Cytogenetic location: 2q31.2.
Variant type: single nucleotide variant.
Coding change: c.30433+15A>T on transcript NM_001267550.2 (MANE Select); 15 bases into the intron after coding-DNA position 30433, A replaced by T.
Molecular consequence: intron variant.
Genome position (GRCh38, 1-based): chr2:178,702,439, T>A on the plus strand (A>T on the coding strand, the complement: TTN is on the minus strand). VCF-style: chr2-178702439-T-A. GRCh37 (hg19) VCF-style: chr2-179567166-T-A.
Other names: c.13282+35643A>T (NM_003319.4); c.13858+35643A>T (NM_133437.4); c.13657+35643A>T (NM_133432.3); c.26701+15A>T (NM_133378.4); c.29482+15A>T (NM_001256850.1).
Identifiers: ClinVar variation 383652 (VCV000383652.18), dbSNP rs371872220, ClinGen allele CA1999179.